The following is an entry in ClinVar:

NM_006904.7(PRKDC):c.3392T>C (p.Ile1131Thr)

Gene: PRKDC (protein kinase, DNA-activated, catalytic subunit; minus strand). Cytogenetic location: 8q11.21.
Variant type: single nucleotide variant.
Coding change: c.3392T>C on transcript NM_006904.7 (MANE Select); coding-DNA position 3392, T replaced by C.
Protein change: p.Ile1131Thr; replaces isoleucine 1131 with threonine.
Molecular consequence: missense variant.
Genome position (GRCh38, 1-based): chr8:47,898,542, A>G on the plus strand (T>C on the coding strand, the complement: PRKDC is on the minus strand). VCF-style: chr8-47898542-A-G. GRCh37 (hg19) VCF-style: chr8-48811102-A-G.
Other names: c.3392T>C, p.Ile1131Thr (NM_001081640.2); short protein forms I1131T.
Identifiers: ClinVar variation 3225833 (VCV003225833.1), dbSNP rs2089623680, ClinGen allele CA371154735.
Genomic context (GRCh38, chr8:47,898,542, plus strand): 5'-CGTTTCTTTGCTTTATTTAAAGAAACATGCTTCTTTTCAATGATGCGGCATAGGTGATCA[A>G]TGGCATCACAACACTGTTGAATTGTACCTGTTCTCAAGTACAGAGACATATTTCCAAAGA-3'
Protein context (NP_008835.5, residues 1121-1141): LGTIQQCCDA[Ile1131Thr]DHLCRIIEKK

ClinVar aggregate classification (germline): Uncertain significance (1 of 4 stars; one submission).

Submission:

Ambry Genetics
Classification: Uncertain significance. Last evaluated: 2023-12-19. Review status: criteria provided, single submitter. Criteria: Ambry Variant Classification Scheme 2023. Collection method: clinical testing. Allele origin: germline.
Comment: The p.I1131T variant (also known as c.3392T>C), located in coding exon 29 of the PRKDC gene, results from a T to C substitution at nucleotide position 3392. The isoleucine at codon 1131 is replaced by threonine, an amino acid with similar properties. This amino acid position is conserved. In addition, the in silico prediction for this alteration is inconclusive. Since supporting evidence is limited at this time, the clinical significance of this alteration remains unclear.